The following is an entry in ClinVar:

NM_001927.4(DES):c.662C>T (p.Ala221Val)

Gene: DES (desmin; plus strand). Cytogenetic location: 2q35.
Variant type: single nucleotide variant.
Coding change: c.662C>T on transcript NM_001927.4 (MANE Select); coding-DNA position 662, C replaced by T.
Protein change: p.Ala221Val; replaces alanine 221 with valine.
Molecular consequence: missense variant.
Genome position (GRCh38, 1-based): chr2:219,420,273, C>T. VCF-style: chr2-219420273-C-T. GRCh37 (hg19) VCF-style: chr2-220284995-C-T.
Other names: p.Ala221Val; c.662C>T (LRG_380t1); short protein forms A221V.
Identifiers: ClinVar variation 646696 (VCV000646696.16), dbSNP rs746814065, ClinGen allele CA2125119.

ClinVar aggregate classification (germline): Uncertain significance. Review status: criteria provided, multiple submitters, no conflicts (2 of 4 stars). 6 submissions from 6 submitters: Uncertain significance (6). Last evaluated 2026-06-02.

Conditions:
DES-related disorder. Also called: DES-related condition.
Neurogenic scapuloperoneal syndrome, Kaeser type (SCPNK). Also called: KAESER SYNDROME. Identifiers: Orphanet 85146, MedGen C1867005, MONDO:0008407, OMIM 181400.
Desmin-related myofibrillar myopathy (MFM1). Also called: Desminopathy; Desmin related myopathy (former name); Desmin storage myopathy (former name); Myofibrillar myopathy 1; MYOFIBRILLAR MYOPATHY WITH ARRHYTHMOGENIC RIGHT VENTRICULAR CARDIOMYOPATHY; DESMIN-RELATED MYOPATHY WITH ARRHYTHMOGENIC RIGHT VENTRICULAR CARDIOMYOPATHY. Identifiers: Orphanet 363543, Orphanet 98909, MedGen C1832370, MONDO:0011076, OMIM 601419.
Dilated cardiomyopathy 1I (CMD1I). Identifiers: Orphanet 154, MedGen C1858154, MONDO:0011482, OMIM 604765.
Hypertrophic cardiomyopathy. Also called: HYPERTROPHIC MYOCARDIOPATHY. Identifiers: Orphanet 217569, MedGen C0007194, MeSH D002312, MONDO:0005045, HP:0001639.
Cardiovascular phenotype. Identifiers: MedGen CN230736.

Allele frequency attached by ClinVar (database versions not stated): gnomAD exomes 0.00002 and 0.00004; TOPMed 0.00002; ExAC 0.00004; gnomAD 0.00004.

Submissions (6):

PreventionGenetics, part of Exact Sciences
Classification: Uncertain significance for DES-related condition. Last evaluated: 2026-06-02. Review status: criteria provided, single submitter. Criteria: ACMG Guidelines, 2015. Collection method: clinical testing. Allele origin: germline.
Comment: The DES c.662C>T variant is predicted to result in the amino acid substitution p.Ala221Val. This variant was reported in an individual with limb-girdle muscular dystrophy (Table S4, Töpf et al. 2020. PubMed ID: 32528171). This variant is reported in 0.028% of alleles in individuals of European (Finnish) descent in gnomAD. Although we suspect that this variant may be benign, at this time, the clinical significance of this variant is uncertain due to the absence of conclusive functional and genetic evidence.

CeGaT Center for Human Genetics Tuebingen
Classification: Uncertain significance. Last evaluated: 2026-04-01. Review status: criteria provided, single submitter. Criteria: CeGaT Center For Human Genetics Tuebingen Variant Classification Criteria Version 2. Collection method: clinical testing. Allele origin: germline. Affected: yes. Observed: 1 variant allele.
Comment: DES: PM2:Supporting, PP3

Labcorp Genetics (formerly Invitae), Labcorp
Classification: Uncertain significance for Desmin-related myofibrillar myopathy. Last evaluated: 2025-12-24. Review status: criteria provided, single submitter. Criteria: Invitae Variant Classification Sherloc (09022015). Collection method: clinical testing. Allele origin: germline.
Comment: This sequence change replaces alanine, which is neutral and non-polar, with valine, which is neutral and non-polar, at codon 221 of the DES protein (p.Ala221Val). This variant is present in population databases (rs746814065, gnomAD 0.02%). This missense change has been observed in individual(s) with clinical features of limb-girdle muscular dystrophy (PMID: 32528171). ClinVar contains an entry for this variant (Variation ID: 646696). Invitae Evidence Modeling of protein sequence and biophysical properties (such as structural, functional, and spatial information, amino acid conservation, physicochemical variation, residue mobility, and thermodynamic stability) has been performed for this missense variant. However, the output from this modeling did not meet the statistical confidence thresholds required to predict the impact of this variant on DES protein function. In summary, the available evidence is currently insufficient to determine the role of this variant in disease. Therefore, it has been classified as a Variant of Uncertain Significance.

Petrovsky National Research Centre of Surgery, The Federal Agency for Scientific Organizations
Classification: Uncertain significance for Hypertrophic cardiomyopathy. Last evaluated: 2023-11-24. Review status: criteria provided, single submitter. Criteria: ACMG Guidelines, 2015. Collection method: clinical testing. Allele origin: germline. Affected: yes.
Comment: This variant is in The Genome Aggregation Database (gnomAD) v2.1.1 and v4.0.0 with total MAF 0.00004242 and 0.00002044 respectively (Date of access 24-01-2023). Clinvar contains an entry for this variant (Variation ID: 646696). This variant has been reported in 1 study in patient with limb-girdle weakness. Most in silico predictors are inconclusive in the results. In accordance with ACMG(2015) criteria this variant is classified as Variant of Uncertain Significance (VUS) with following criteria selected: PM2.

Ambry Genetics
Classification: Uncertain significance for Cardiovascular phenotype. Last evaluated: 2023-05-30. Review status: criteria provided, single submitter. Criteria: Ambry Variant Classification Scheme 2023. Collection method: clinical testing. Allele origin: germline.
Comment: The p.A221V variant (also known as c.662C>T), located in coding exon 3 of the DES gene, results from a C to T substitution at nucleotide position 662. The alanine at codon 221 is replaced by valine, an amino acid with similar properties. This alteration has been reported in a cohort of subjects with limb girdle weakness (T&ouml;pf A et al. Genet Med, 2020 Sep;22:1478-1488). This amino acid position is highly conserved in available vertebrate species. In addition, the in silico prediction for this alteration is inconclusive. Since supporting evidence is limited at this time, the clinical significance of this alteration remains unclear.

Fulgent Genetics
Classification: Uncertain significance for Neurogenic scapuloperoneal syndrome, Kaeser type; Desmin-related myofibrillar myopathy; Dilated cardiomyopathy 1I. Last evaluated: 2021-09-30. Review status: criteria provided, single submitter. Criteria: ACMG Guidelines, 2015. Collection method: clinical testing. Allele origin: unknown.

Literature cited by the submitters: PubMed 32528171 (cited by Labcorp Genetics (formerly Invitae), Labcorp and Ambry Genetics).